The following is an entry in ClinVar:

ClinVar aggregate classification (germline): Likely pathogenic (1 of 4 stars; one submission).
ClinVar aggregate classification (oncogenicity): Likely oncogenic (0 of 4 stars; one submission).

Conditions:
Coffin-Siris syndrome 6. Identifiers: MedGen C4540499, MONDO:0033492, OMIM 617808.
Adenoid cystic carcinoma. Also called: Adenocystic carcinoma. Identifiers: MedGen C0010606, MeSH D003528, MONDO:0004971.

Submissions (2):

3billion
Classification: Likely pathogenic for Coffin-Siris syndrome 6. Last evaluated: 2025-09-05. Review status: criteria provided, single submitter. Criteria: ACMG Guidelines, 2015. Collection method: clinical testing. Allele origin: germline. Affected: yes.
Comment: The variant is not observed in the gnomAD v4.1.0 dataset. Predicted Consequence/Location: Stop-gained (nonsense): predicted to result in a loss or disruption of normal protein function through nonsense-mediated decay (NMD) or protein truncation. Multiple pathogenic variants are reported downstream of the variant. Therefore, this variant is classified as Likely pathogenic according to the recommendation of ACMG/AMP guideline.

Genome Sciences Centre, British Columbia Cancer Agency
Classification: Likely oncogenic for Adenoid cystic carcinoma. Last evaluated: 2024-11-13. Review status: no assertion criteria provided. Collection method: research. Allele origin: somatic. Affected: yes. Observed: 1 variant allele.

NM_152641.4(ARID2):c.2989C>T (p.Gln997Ter)

Gene: ARID2 (AT-rich interaction domain 2; plus strand). Cytogenetic location: 12q12.
Variant type: single nucleotide variant.
Coding change: c.2989C>T on transcript NM_152641.4 (MANE Select); coding-DNA position 2989, C replaced by T.
Protein change: p.Gln997Ter; replaces glutamine 997 with a stop codon.
Molecular consequence: nonsense.
Genome position (GRCh38, 1-based): chr12:45,851,112, C>T. VCF-style: chr12-45851112-C-T. GRCh37 (hg19) VCF-style: chr12-46244895-C-T.
Other names: c.2989C>T, p.Gln997Ter (NM_001347839.2); short protein forms Q997*.
Identifiers: ClinVar variation 3390902 (VCV003390902.2), dbSNP rs1555155110.
Genomic context (GRCh38, chr12:45,851,112, plus strand): 5'-GTCCCAGCTACTAATAACCAAGTCCCTACTGCCATGTCGTCGTCCTCTACCCCTCAATCA[C>T]AGGGACCACCTCCTACTGTCAGTCAAATGTTATCTGTGAAAAGGCAGCAACAGCAGCAAC-3'